The following is an entry in ClinVar:

ClinVar aggregate classification (germline): Uncertain significance (1 of 4 stars; one submission).

Conditions:
Hereditary pancreatitis (PCTT). Also called: Hereditary chronic pancreatitis; PRSS1-Related Hereditary Pancreatitis. Identifiers: Orphanet 676, MedGen C0238339, MONDO:0008185, OMIM 167800.

Submission:

Ambry Genetics
Classification: Uncertain significance for Hereditary pancreatitis. Last evaluated: 2024-03-06. Review status: criteria provided, single submitter. Criteria: Ambry Variant Classification Scheme 2023. Collection method: clinical testing. Allele origin: germline.
Comment: The p.P179R variant (also known as c.536C>G), located in coding exon 6 of the CTRC gene, results from a C to G substitution at nucleotide position 536. The proline at codon 179 is replaced by arginine, an amino acid with dissimilar properties. This amino acid position is conserved. In addition, the in silico prediction for this alteration is inconclusive. Based on the available evidence, the clinical significance of this alteration remains unclear.

NM_007272.3(CTRC):c.536C>G (p.Pro179Arg)

Gene: CTRC (chymotrypsin C; plus strand). Cytogenetic location: 1p36.21.
Variant type: single nucleotide variant.
Coding change: c.536C>G on transcript NM_007272.3 (MANE Select); coding-DNA position 536, C replaced by G.
Protein change: p.Pro179Arg; replaces proline 179 with arginine.
Molecular consequence: missense variant.
Genome position (GRCh38, 1-based): chr1:15,444,648, C>G. VCF-style: chr1-15444648-C-G. GRCh37 (hg19) VCF-style: chr1-15771143-C-G.
Other names: short protein forms P179R.
Identifiers: ClinVar variation 3226078 (VCV003226078.1), dbSNP rs2526301254, ClinGen allele CA338567074.
Genomic context (GRCh38, chr1:15,444,648, plus strand): 5'-TGCTCACTCTCTCCCCAGCCAACGGCCCCATTGCTGATAAGCTGCAGCAGGGCCTGCAGC[C>G]CGTGGTGGATCACGCCACGTGCTCCAGGATTGACTGGTGGGGCTTCAGGGTGAAGAAAAC-3'
Protein context (NP_009203.2, residues 169-189): IADKLQQGLQ[Pro179Arg]VVDHATCSRI